The following is an entry in ClinVar:

ClinVar aggregate classification (germline): Uncertain significance (1 of 4 stars; one submission).

Conditions:
Combined immunodeficiency due to OX40 deficiency. Also called: Immunodeficiency 16; OX40 DEFICIENCY. Identifiers: Orphanet 431149, MedGen C3810053, MONDO:0014268, OMIM 615593.

Allele frequency attached by ClinVar (database versions not stated): gnomAD exomes below 0.00001; TOPMed below 0.00001.
gnomAD v4.1: 6 of 1,599,234 alleles (0.00038%); highest among the groups gnomAD compares: Non-Finnish European, 0.00051%; no homozygotes.

Submission:

Labcorp Genetics (formerly Invitae), Labcorp
Classification: Uncertain significance for Combined immunodeficiency due to OX40 deficiency. Last evaluated: 2021-09-27. Review status: criteria provided, single submitter. Criteria: Invitae Variant Classification Sherloc (09022015). Collection method: clinical testing. Allele origin: germline.
Comment: This variant has not been reported in the literature in individuals affected with TNFRSF4-related conditions. This variant is not present in population databases (ExAC no frequency). This sequence change replaces aspartic acid with asparagine at codon 74 of the TNFRSF4 protein (p.Asp74Asn). The aspartic acid residue is weakly conserved and there is a small physicochemical difference between aspartic acid and asparagine. Algorithms developed to predict the effect of missense changes on protein structure and function (SIFT, PolyPhen-2, Align-GVGD) all suggest that this variant is likely to be tolerated. In summary, the available evidence is currently insufficient to determine the role of this variant in disease. Therefore, it has been classified as a Variant of Uncertain Significance.

NM_003327.4(TNFRSF4):c.220G>A (p.Asp74Asn)

Gene: TNFRSF4 (TNF receptor superfamily member 4; minus strand). Cytogenetic location: 1p36.33.
Variant type: single nucleotide variant.
Coding change: c.220G>A on transcript NM_003327.4 (MANE Select); coding-DNA position 220, G replaced by A.
Protein change: p.Asp74Asn; replaces aspartic acid 74 with asparagine.
Molecular consequence: missense variant.
Genome position (GRCh38, 1-based): chr1:1,213,711, C>T on the plus strand (G>A on the coding strand, the complement: TNFRSF4 is on the minus strand). VCF-style: chr1-1213711-C-T. GRCh37 (hg19) VCF-style: chr1-1149091-C-T.
Other names: short protein forms D74N.
Identifiers: ClinVar variation 1511298 (VCV001511298.6), dbSNP rs1557508466, ClinGen allele CA337802054.